The following is an entry in ClinVar:

NM_022489.4(INF2):c.632T>C (p.Leu211Pro)

Gene: INF2 (inverted formin 2; plus strand). Cytogenetic location: 14q32.33.
Variant type: single nucleotide variant.
Coding change: c.632T>C on transcript NM_022489.4 (MANE Select); coding-DNA position 632, T replaced by C.
Protein change: p.Leu211Pro; replaces leucine 211 with proline.
Molecular consequence: missense variant. On other transcripts: non-coding transcript variant (1).
Genome position (GRCh38, 1-based): chr14:104,703,419, T>C. VCF-style: chr14-104703419-T-C. GRCh37 (hg19) VCF-style: chr14-105169756-T-C.
Other names: p.Leu211Pro; c.632T>C, p.Leu211Pro (NM_001031714.4, NM_001426862.1, NM_001426863.1 and 6 more transcripts); short protein forms L211P.
Identifiers: ClinVar variation 4541910 (VCV004541910.2).

ClinVar aggregate classification (germline): Uncertain significance. Review status: criteria provided, multiple submitters, no conflicts (2 of 4 stars). 2 submissions from 2 submitters: Uncertain significance (2). Last evaluated 2025-11-23.

Conditions:
Focal segmental glomerulosclerosis 5 (FSGS5). Identifiers: Orphanet 656, MedGen C2750475, MONDO:0013191, OMIM 613237.
Charcot-Marie-Tooth disease dominant intermediate E. Also called: CHARCOT-MARIE-TOOTH NEUROPATHY WITH FOCAL SEGMENTAL GLOMERULONEPHRITIS. Identifiers: Orphanet 93114, MedGen C4302667, MONDO:0013758, OMIM 614455.

gnomAD v4.1: 44 of 1,612,702 alleles (0.0027%); highest among the groups gnomAD compares: Non-Finnish European, 0.0035%; no homozygotes.

Submissions (2):

Mayo Clinic Laboratories, Mayo Clinic
Classification: Uncertain significance. Last evaluated: 2025-11-23. Review status: criteria provided, single submitter. Criteria: ACMG Guidelines, 2015. Collection method: clinical testing. Allele origin: germline. Observed: 1 variant allele.
Comment: PP3_moderate

Labcorp Genetics (formerly Invitae), Labcorp
Classification: Uncertain significance for Charcot-Marie-Tooth disease dominant intermediate E; Focal segmental glomerulosclerosis 5. Last evaluated: 2025-08-13. Review status: criteria provided, single submitter. Criteria: Invitae Variant Classification Sherloc (09022015). Collection method: clinical testing. Allele origin: germline.
Comment: This sequence change replaces leucine, which is neutral and non-polar, with proline, which is neutral and non-polar, at codon 211 of the INF2 protein (p.Leu211Pro). This variant is not present in population databases (gnomAD no frequency). This variant has not been reported in the literature in individuals affected with INF2-related conditions. Invitae Evidence Modeling of protein sequence and biophysical properties (such as structural, functional, and spatial information, amino acid conservation, physicochemical variation, residue mobility, and thermodynamic stability) has been performed for this missense variant. However, the output from this modeling did not meet the statistical confidence thresholds required to predict the impact of this variant on INF2 protein function. In summary, the available evidence is currently insufficient to determine the role of this variant in disease. Therefore, it has been classified as a Variant of Uncertain Significance.